The following is an entry in ClinVar:

ClinVar aggregate classification (germline): Likely pathogenic (1 of 4 stars; one submission).

Conditions:
Intellectual developmental disorder, autosomal dominant 68 (MRD68). Also called: MENTAL RETARDATION, AUTOSOMAL DOMINANT 68. Identifiers: MedGen C5677008, MONDO:0030969, OMIM 619934.

Submission:

3billion
Classification: Likely pathogenic for Intellectual developmental disorder, autosomal dominant 68. Last evaluated: 2023-11-10. Review status: criteria provided, single submitter. Criteria: ACMG Guidelines, 2015. Collection method: clinical testing. Allele origin: germline. Affected: yes.
Comment: The variant is not observed in the gnomAD v2.1.1 dataset. Predicted Consequence/Location: Stop-gained (nonsense): predicted to result in a loss or disruption of normal protein function through nonsense-mediated decay (NMD) or protein truncation. Multiple pathogenic variants are reported downstream of the variant. Therefore, this variant is classified as Likely pathogenic according to the recommendation of ACMG/AMP guideline.

NM_014727.3(KMT2B):c.6495G>A (p.Trp2165Ter)

Gene: KMT2B (lysine methyltransferase 2B; plus strand). Cytogenetic location: 19q13.12.
Variant type: single nucleotide variant.
Coding change: c.6495G>A on transcript NM_014727.3 (MANE Select); coding-DNA position 6495, G replaced by A.
Protein change: p.Trp2165Ter; replaces tryptophan 2165 with a stop codon.
Molecular consequence: nonsense.
Genome position (GRCh38, 1-based): chr19:35,733,044, G>A. VCF-style: chr19-35733044-G-A. GRCh37 (hg19) VCF-style: chr19-36223945-G-A.
Other names: short protein forms W2165*.
Identifiers: ClinVar variation 3775217 (VCV003775217.1).